The following is an entry in ClinVar:

ClinVar aggregate classification (germline): Conflicting classifications of pathogenicity. Review status: criteria provided, conflicting classifications (1 of 4 stars). 7 submissions from 4 submitters: Uncertain significance (6); Likely benign (1). Last evaluated 2026-07-01.

Conditions:
Hypogonadotropic hypogonadism 2 with or without anosmia (HH2). Also called: HYPOGONADOTROPIC HYPOGONADISM 2 WITHOUT ANOSMIA; HYPOGONADOTROPIC HYPOGONADISM 2 WITH OR WITHOUT ANOSMIA, SUSCEPTIBILITY TO; HYPOGONADOTROPIC HYPOGONADISM 2 WITHOUT ANOSMIA, SUSCEPTIBILITY TO; FGFR1-Related GnRH Deficiency (Kallmann Syndrome 2). Identifiers: Orphanet 478, MedGen C1563720, MONDO:0007844, OMIM 147950. Disease mechanism: loss of function.
Craniosynostosis syndrome. Also called: Craniosynostosis. Identifiers: Orphanet 1531, MedGen C0010278, MeSH D003398, MONDO:0015469, HP:0001363.
Pfeiffer syndrome (ACS5). Also called: ACS V. Identifiers: Orphanet 710, MedGen C0220658, MONDO:0007043, OMIM 101600.
Trigonocephaly 1 (TRIGNO1). Identifiers: Orphanet 3366, MedGen C0432122, MONDO:0008603, OMIM 190440.
Osteoglophonic dysplasia (OGD). Also called: Osteoglophonic dwarfism. Identifiers: Orphanet 2645, MedGen C0432283, MONDO:0008150, OMIM 166250.

Allele frequency attached by ClinVar (database versions not stated): ExAC 0.00001; gnomAD 0.00001; gnomAD exomes 0.00001 and 0.00002; TOPMed 0.00003; 1000 Genomes Project 30x 0.00016; 1000 Genomes Project 0.00020.
gnomAD v4.1: 29 of 1,614,016 alleles (0.0018%); highest among the groups gnomAD compares: Non-Finnish European, 0.0022%; no homozygotes.

Submissions (7):

CeGaT Center for Human Genetics Tuebingen
Classification: Likely benign. Last evaluated: 2026-07-01. Review status: criteria provided, single submitter. Criteria: CeGaT Center For Human Genetics Tuebingen Variant Classification Criteria Version 2. Collection method: clinical testing. Allele origin: germline. Affected: yes. Observed: 1 variant allele.
Comment: FGFR1: BS2

Labcorp Genetics (formerly Invitae), Labcorp
Classification: Uncertain significance for Pfeiffer syndrome; Hypogonadotropic hypogonadism 2 with or without anosmia. Last evaluated: 2024-08-12. Review status: criteria provided, single submitter. Criteria: Invitae Variant Classification Sherloc (09022015). Collection method: clinical testing. Allele origin: germline.
Comment: This sequence change replaces valine, which is neutral and non-polar, with methionine, which is neutral and non-polar, at codon 758 of the FGFR1 protein (p.Val758Met). This variant is present in population databases (rs527606454, gnomAD 0.003%). This variant has not been reported in the literature in individuals affected with FGFR1-related conditions. ClinVar contains an entry for this variant (Variation ID: 911988). Advanced modeling of protein sequence and biophysical properties (such as structural, functional, and spatial information, amino acid conservation, physicochemical variation, residue mobility, and thermodynamic stability) has been performed at Invitae for this missense variant, however the output from this modeling did not meet the statistical confidence thresholds required to predict the impact of this variant on FGFR1 protein function. In summary, the available evidence is currently insufficient to determine the role of this variant in disease. Therefore, it has been classified as a Variant of Uncertain Significance.

GeneDx
Classification: Uncertain significance. Last evaluated: 2022-03-10. Review status: criteria provided, single submitter. Criteria: GeneDx Variant Classification Process June 2021. Collection method: clinical testing. Allele origin: germline. Affected: yes.
Comment: In silico analysis supports that this missense variant does not alter protein structure/function; Has not been previously published as pathogenic or benign to our knowledge

Illumina Laboratory Services, Illumina
Classification: Uncertain significance for Trigonocephaly 1. Last evaluated: 2018-01-12. Review status: criteria provided, single submitter. Criteria: ICSL Variant Classification Criteria 13 December 2019. Collection method: clinical testing. Allele origin: germline.

Illumina Laboratory Services, Illumina
Classification: Uncertain significance for Osteoglophonic dysplasia. Last evaluated: 2018-01-12. Review status: criteria provided, single submitter. Criteria: ICSL Variant Classification Criteria 13 December 2019. Collection method: clinical testing. Allele origin: germline.

Illumina Laboratory Services, Illumina
Classification: Uncertain significance for Hypogonadotropic hypogonadism 2 with or without anosmia. Last evaluated: 2018-01-12. Review status: criteria provided, single submitter. Criteria: ICSL Variant Classification Criteria 13 December 2019. Collection method: clinical testing. Allele origin: germline.

Illumina Laboratory Services, Illumina
Classification: Uncertain significance for Craniosynostosis. Last evaluated: 2018-01-12. Review status: criteria provided, single submitter. Criteria: ICSL Variant Classification Criteria 13 December 2019. Collection method: clinical testing. Allele origin: germline.

NM_023110.3(FGFR1):c.2272G>A (p.Val758Met)

Gene: FGFR1 (fibroblast growth factor receptor 1; minus strand). Cytogenetic location: 8p11.23.
Variant type: single nucleotide variant.
Coding change: c.2272G>A on transcript NM_023110.3 (MANE Select); coding-DNA position 2272, G replaced by A.
Protein change: p.Val758Met; replaces valine 758 with methionine.
Molecular consequence: missense variant.
Genome position (GRCh38, 1-based): chr8:38,413,938, C>T on the plus strand (G>A on the coding strand, the complement: FGFR1 is on the minus strand). VCF-style: chr8-38413938-C-T. GRCh37 (hg19) VCF-style: chr8-38271456-C-T.
Other names: c.2266G>A, p.Val756Met (NM_001174063.2, NM_001174065.2, NM_001354367.2 and 1 more transcripts); c.2242G>A, p.Val748Met (NM_001174064.2); c.2005G>A, p.Val669Met (NM_001174066.2, NM_023105.3); c.2365G>A, p.Val789Met (NM_001174067.2); c.1993G>A, p.Val665Met (NM_001354368.2); c.2260G>A, p.Val754Met (NM_001354369.2); c.1999G>A, p.Val667Met (NM_001354370.2, NM_023106.3); short protein forms V758M, V665M, V756M, V789M, V669M, V754M, V667M, V748M.
Identifiers: ClinVar variation 911988 (VCV000911988.10), dbSNP rs527606454, ClinGen allele CA4718133.